The following is an entry in ClinVar:

NM_001278293.3(ARL6):c.549T>G (p.Thr183=)

Gene: ARL6 (ARF like GTPase 6; plus strand). Cytogenetic location: 3q11.2.
Variant type: single nucleotide variant.
Coding change: c.549T>G on transcript NM_001278293.3 (MANE Select); coding-DNA position 549, T replaced by G.
Protein change: p.Thr183=; no amino-acid change (threonine 183 retained).
Molecular consequence: synonymous variant. On other transcripts: missense variant (1), 3 prime UTR variant (1), non-coding transcript variant (7).
Genome position (GRCh38, 1-based): chr3:97,798,037, T>G. VCF-style: chr3-97798037-T-G. GRCh37 (hg19) VCF-style: chr3-97516881-T-G.
Other names: c.562T>G, p.Cys188Gly (NM_001323513.2); c.*13T>G (NM_001323514.2); c.549T>G, p.Thr183= (NM_032146.5, NM_177976.3); short protein forms C188G.
Identifiers: ClinVar variation 4999112 (VCV004999112.1).

ClinVar aggregate classification (germline): Uncertain significance (1 of 4 stars; one submission).

Conditions:
ARL6-related disorder. Also called: ARL6-related condition.

Submission:

PreventionGenetics, part of Exact Sciences
Classification: Uncertain significance for ARL6-related condition. Last evaluated: 2025-10-01. Review status: criteria provided, single submitter. Criteria: ACMG Guidelines, 2015. Collection method: clinical testing. Allele origin: germline.
Comment: The ARL6 c.562T>G variant is predicted to result in the amino acid substitution p.Cys188Gly. To our knowledge, this variant has not been reported in the literature or in a large population database (gnomAD), indicating this variant is rare. At this time, the clinical significance of this variant is uncertain due to the absence of conclusive functional and genetic evidence.